The following is an entry in ClinVar:

ClinVar aggregate classification (germline): Uncertain significance (1 of 4 stars; one submission).

Conditions:
Fibrous dysplasia of jaw (CRBM). Also called: Cherubism. Identifiers: Orphanet 184, MedGen C0008029, MONDO:0007315, OMIM 118400.

Allele frequency attached by ClinVar (database versions not stated): TOPMed below 0.00001; gnomAD exomes 0.00001.

Submission:

Labcorp Genetics (formerly Invitae), Labcorp
Classification: Uncertain significance for Fibrous dysplasia of jaw. Last evaluated: 2025-11-08. Review status: criteria provided, single submitter. Criteria: Invitae Variant Classification Sherloc (09022015). Collection method: clinical testing. Allele origin: germline.
Comment: This sequence change creates a premature translational stop signal (p.Met6Serfs*7) in the SH3BP2 gene. It is expected to result in an absent or disrupted protein product. However, the current clinical and genetic evidence is not sufficient to establish whether loss-of-function variants in SH3BP2 cause disease. This variant is not present in population databases (gnomAD no frequency). This variant has not been reported in the literature in individuals affected with SH3BP2-related conditions. ClinVar contains an entry for this variant (Variation ID: 658097). In summary, the available evidence is currently insufficient to determine the role of this variant in disease. Therefore, it has been classified as a Variant of Uncertain Significance.

NM_001122681.2(SH3BP2):c.17del (p.Met6fs)

Gene: SH3BP2 (SH3 domain binding protein 2; plus strand). Cytogenetic location: 4p16.3.
Variant type: Deletion.
Coding change: c.17del on transcript NM_001122681.2 (MANE Select); coding-DNA position 17, one base deleted (T; older notation c.17delT).
Protein change: p.Met6fs; shifts the reading frame from methionine 6.
Molecular consequence: frameshift variant.
Genome position (GRCh38, 1-based): chr4:2,820,634, T deleted. VCF-style (leftmost placement, unchanged base first): chr4-2820633-AT-A. GRCh37 (hg19) VCF-style: chr4-2822360-AT-A.
Other names: c.17delT (NM_003023.4); c.101del, p.Met34fs (NM_001145855.2); c.188del, p.Met63fs (NM_001145856.2); c.17del, p.Met6fs (NM_003023.4); short protein forms M34fs, M6fs, M63fs.
Identifiers: ClinVar variation 658097 (VCV000658097.8), dbSNP rs746804160, ClinGen allele CA91403421.
Genomic context (GRCh38, chr4:2,820,633, plus strand): 5'-CTGACCGTAGCTGAGCCACGTGCCTTTGTCCTTTATTGCAGCTTCATGGCGGCTGAAGAG[AT>A]GCATTGGCCTGTCCCTATGAAGGCCATTGGTGCCCAGAACCTGCTAACCATGCCTGGGGG-3'